The following is an entry in ClinVar:

ClinVar aggregate classification (germline): Pathogenic (1 of 4 stars; one submission).

Submission:

Labcorp Genetics (formerly Invitae), Labcorp
Classification: Pathogenic. Last evaluated: 2023-03-29. Review status: criteria provided, single submitter. Criteria: Invitae Variant Classification Sherloc (09022015). Collection method: clinical testing. Allele origin: germline.
Comment: For these reasons, this variant has been classified as Pathogenic. This sequence change creates a premature translational stop signal (p.Ser96*) in the COL17A1 gene. It is expected to result in an absent or disrupted protein product. Loss-of-function variants in COL17A1 are known to be pathogenic (PMID: 16473856, 17344927, 20301304, 21357940, 24319098). This variant is not present in population databases (gnomAD no frequency). This variant has not been reported in the literature in individuals affected with COL17A1-related conditions.

Literature cited by the submitters: PubMed 16473856; PubMed 17344927; PubMed 20301304; PubMed 21357940; PubMed 24319098.

NM_000494.4(COL17A1):c.287C>G (p.Ser96Ter)

Gene: COL17A1 (collagen type XVII alpha 1 chain; minus strand). Cytogenetic location: 10q25.1.
Variant type: single nucleotide variant.
Coding change: c.287C>G on transcript NM_000494.4 (MANE Select); coding-DNA position 287, C replaced by G.
Protein change: p.Ser96Ter; replaces serine 96 with a stop codon.
Molecular consequence: nonsense.
Genome position (GRCh38, 1-based): chr10:104,076,345, G>C on the plus strand (C>G on the coding strand, the complement: COL17A1 is on the minus strand). VCF-style: chr10-104076345-G-C. GRCh37 (hg19) VCF-style: chr10-105836103-G-C.
Other names: short protein forms S96*.
Identifiers: ClinVar variation 2850804 (VCV002850804.3), dbSNP rs2493387507, ClinGen allele CA378081201.
Genomic context (GRCh38, chr10:104,076,345, plus strand): 5'-TTAGTGGGACTGATACCTTCATACGCATGGCGGGTAACGTGAGTTTTCCTTTCAAAGGTT[G>C]AGCCTGGGGAGTTGGGCAGAGTGGAGGCAGGTGAGTGAGCCCTCCTGTAACTAGAGGTGG-3'